The following is an entry in ClinVar:

NM_002658.6(PLAU):c.527G>T (p.Arg176Leu)

Genes: C10orf55 (chromosome 10 putative open reading frame 55; minus strand), PLAU (plasminogen activator, urokinase; plus strand), LOC126860960 (BRD4-independent group 4 enhancer GRCh37_chr10:75672789-75673988; plus strand). Cytogenetic location: 10q22.2.
Variant type: single nucleotide variant.
Coding change: c.527G>T on transcript NM_002658.6 (MANE Select); coding-DNA position 527, G replaced by T.
Protein change: p.Arg176Leu; replaces arginine 176 with leucine.
Molecular consequence: missense variant.
Genome position (GRCh38, 1-based): chr10:73,913,605, G>T. VCF-style: chr10-73913605-G-T. GRCh37 (hg19) VCF-style: chr10-75673363-G-T.
Other names: c.476G>T, p.Arg159Leu (NM_001145031.3); c.269G>T, p.Arg90Leu (NM_001319191.2); short protein forms R159L, R176L, R90L.
Identifiers: ClinVar variation 3912011 (VCV003912011.2).

ClinVar aggregate classification (germline): Uncertain significance (1 of 4 stars; one submission).

gnomAD v4.1: 14 of 1,613,844 alleles (0.00087%); highest among the groups gnomAD compares: Admixed American, 0.022%; no homozygotes.

Submission:

Women's Health and Genetics/Laboratory Corporation of America, LabCorp
Classification: Uncertain significance. Last evaluated: 2025-07-01. Review status: criteria provided, single submitter. Criteria: LabCorp Variant Classification Summary - May 2015. Collection method: clinical testing. Allele origin: germline.
Comment: Variant summary: PLAU c.527G>T (p.Arg176Leu) results in a non-conservative amino acid change in the encoded protein sequence. Algorithms developed to predict the effect of missense changes on protein structure and function are either unavailable or do not agree on the potential impact of this missense change. The variant allele was found at a frequency of 4e-05 in 251044 control chromosomes. This frequency is not significantly higher than estimated for a pathogenic variant in PLAU causing Quebec Platelet Disorder, allowing no conclusion about variant significance. To our knowledge, no occurrence of c.527G>T in individuals affected with Quebec Platelet Disorder and no experimental evidence demonstrating its impact on protein function have been reported. No submitters have cited clinical-significance assessments for this variant to ClinVar. Based on the evidence outlined above, the variant was classified as uncertain significance.